The following is an entry in ClinVar:

ClinVar aggregate classification (germline): Conflicting classifications of pathogenicity. Review status: criteria provided, conflicting classifications (1 of 4 stars). 2 submissions from 2 submitters: Likely pathogenic (1); Uncertain significance (1). Last evaluated 2023-08-04.

Conditions:
Retinitis pigmentosa 12 (RP12). Also called: RP WITH OR WITHOUT PRESERVED PARAARTERIOLE RETINAL PIGMENT EPITHELIUM; RETINITIS PIGMENTOSA WITH OR WITHOUT PARAARTERIOLAR PRESERVATION OF RETINAL PIGMENT EPITHELIUM; RP WITH OR WITHOUT PPRPE. Identifiers: Orphanet 791, MedGen C1838647, MONDO:0010818, OMIM 600105.
Leber congenital amaurosis 8 (LCA8). Identifiers: Orphanet 65, MedGen C3151202, MONDO:0013453, OMIM 613835.

Submissions (2):

Labcorp Genetics (formerly Invitae), Labcorp
Classification: Likely pathogenic for Leber congenital amaurosis 8; Retinitis pigmentosa 12. Last evaluated: 2023-08-04. Review status: criteria provided, single submitter. Criteria: Invitae Variant Classification Sherloc (09022015). Collection method: clinical testing. Allele origin: germline.
Comment: ClinVar contains an entry for this variant (Variation ID: 1503209). This missense change has been observed in individual(s) with clinical features of retinitis pigmentosa (Invitae). In at least one individual the data is consistent with being in trans (on the opposite chromosome) from a pathogenic variant. This variant is not present in population databases (gnomAD no frequency). This sequence change replaces lysine, which is basic and polar, with glutamic acid, which is acidic and polar, at codon 534 of the CRB1 protein (p.Lys534Glu). Advanced modeling of protein sequence and biophysical properties (such as structural, functional, and spatial information, amino acid conservation, physicochemical variation, residue mobility, and thermodynamic stability) performed at Invitae indicates that this missense variant is expected to disrupt CRB1 protein function. In summary, the currently available evidence indicates that the variant is pathogenic, but additional data are needed to prove that conclusively. Therefore, this variant has been classified as Likely Pathogenic. This variant disrupts the p.Lys534 amino acid residue in CRB1. Other variant(s) that disrupt this residue have been observed in individuals with CRB1-related conditions (PMID: 22334370), which suggests that this may be a clinically significant amino acid residue.

Blueprint Genetics
Classification: Uncertain significance. Last evaluated: 2022-06-02. Review status: criteria provided, single submitter. Criteria: ACMG Guidelines, 2015. Collection method: clinical testing. Allele origin: germline.

Literature cited by the submitters: PubMed 22334370 (cited by Labcorp Genetics (formerly Invitae), Labcorp).

NM_201253.3(CRB1):c.1600A>G (p.Lys534Glu)

Gene: CRB1 (crumbs cell polarity complex component 1; plus strand). Cytogenetic location: 1q31.3.
Variant type: single nucleotide variant.
Coding change: c.1600A>G on transcript NM_201253.3 (MANE Select); coding-DNA position 1600, A replaced by G.
Protein change: p.Lys534Glu; replaces lysine 534 with glutamic acid.
Molecular consequence: missense variant. On other transcripts: non-coding transcript variant (2).
Genome position (GRCh38, 1-based): chr1:197,421,428, A>G. VCF-style: chr1-197421428-A-G. GRCh37 (hg19) VCF-style: chr1-197390558-A-G.
Other names: c.1264A>G, p.Lys422Glu (NM_001193640.2); c.1393A>G, p.Lys465Glu (NM_001257965.2); c.1600A>G, p.Lys534Glu (NM_001257966.2); short protein forms K465E, K534E, K422E.
Identifiers: ClinVar variation 1503209 (VCV001503209.9), dbSNP rs2125470125, ClinGen allele CA344031642.